The following is an entry in ClinVar:

ClinVar aggregate classification (germline): Likely pathogenic (1 of 4 stars; one submission).

Conditions:
Cobalamin C disease. Also called: Methylmalonic aciduria with homocystinuria cblC type; Cobalamin-C methylmalonic acidemia and homocystinuria; Methylmalonic acidemia and homocystinuria cblC type; methylmalonic aciduria and homocystinuria type cblC; Methylmalonic aciduria and homocystinuria, Vitamin B12-responsive; Vitamin B12 metabolic defect with combined deficiency of methylmalonyl-CoA mutase and homocysteine:methyltetrahydrofolate methyltransferase. Identifiers: Orphanet 26, Orphanet 79282, MedGen C1848561, MONDO:0010184, OMIM 277400.

Submission:

Women's Health and Genetics/Laboratory Corporation of America, LabCorp
Classification: Likely pathogenic for Cobalamin C disease. Last evaluated: 2023-02-19. Review status: criteria provided, single submitter. Criteria: LabCorp Variant Classification Summary - May 2015. Collection method: clinical testing. Allele origin: germline.
Comment: Variant summary: LMBRD1 c.1128C>A (p.Tyr376X) results in a premature termination codon, predicted to cause a truncation of the encoded protein or absence of the protein due to nonsense mediated decay, which are commonly known mechanisms for disease. Truncations downstream of this position have been classified as pathogenic in CinVar. The variant was absent in 194208 control chromosomes (gnomAD). To our knowledge, no occurrence of c.1128C>A in individuals affected with Methylmalonic Acidemia With Homocystinuria and no experimental evidence demonstrating its impact on protein function have been reported. No clinical diagnostic laboratories have submitted clinical-significance assessments for this variant to ClinVar after 2014. Based on the evidence outlined above, the variant was classified as likely pathogenic.

NM_018368.4(LMBRD1):c.1128C>A (p.Tyr376Ter)

Gene: LMBRD1 (LMBR1 domain containing 1; minus strand). Cytogenetic location: 6q13.
Variant type: single nucleotide variant.
Coding change: c.1128C>A on transcript NM_018368.4 (MANE Select); coding-DNA position 1128, C replaced by A.
Protein change: p.Tyr376Ter; replaces tyrosine 376 with a stop codon.
Molecular consequence: nonsense.
Genome position (GRCh38, 1-based): chr6:69,700,825, G>T on the plus strand (C>A on the coding strand, the complement: LMBRD1 is on the minus strand). VCF-style: chr6-69700825-G-T. GRCh37 (hg19) VCF-style: chr6-70410717-G-T.
Other names: c.1128C>A (NM_018368.3); c.909C>A, p.Tyr303Ter (NM_001363722.2, NM_001367271.1, NM_001367272.1); short protein forms Y303*, Y376*.
Identifiers: ClinVar variation 2445907 (VCV002445907.1), dbSNP rs2482221339, ClinGen allele CA364664433.